The following is an entry in ClinVar:

NM_000051.4(ATM):c.3243TCA[1] (p.His1083del)

Gene: ATM (ATM serine/threonine kinase; plus strand). Cytogenetic location: 11q22.3.
Variant type: Microsatellite.
Coding change: c.3243TCA[1] on transcript NM_000051.4 (MANE Select); one copy of the 3-base unit TCA starting at c.3243; the reference has two copies in a row; one copy, 3 bases deleted.
Protein change: p.His1083del; deletes histidine 1083.
Molecular consequence: inframe deletion.
Genome position (GRCh38, 1-based): chr11:108,272,814-108,272,816, TCA deleted; deleting any 3 consecutive bases within chr11:108,272,810-108,272,816 gives the same sequence; the position shown is the placement nearest the transcript's 3' end. VCF-style (leftmost placement, unchanged base first): chr11-108272809-AATC-A. GRCh37 (hg19) VCF-style: chr11-108143536-AATC-A.
Other names: c.3243TCA[1], p.His1083del (NM_001351834.2); c.3246_3248delTCA (NM_000051.3); short protein forms H1083del.
Identifiers: ClinVar variation 823291 (VCV000823291.4), dbSNP rs1591609996, ClinGen allele CA915948377.

ClinVar aggregate classification (germline): Uncertain significance (1 of 4 stars; one submission).

Conditions:
Hereditary cancer-predisposing syndrome. Also called: Tumor predisposition; Hereditary Cancer Syndrome; Neoplastic Syndromes, Hereditary; Hereditary neoplastic syndrome. Identifiers: Orphanet 140162, MedGen C0027672, MeSH D009386, MONDO:0015356.

Submission:

Ambry Genetics
Classification: Uncertain significance for Hereditary cancer-predisposing syndrome. Last evaluated: 2019-06-26. Review status: criteria provided, single submitter. Criteria: Ambry Variant Classification Scheme 2023. Collection method: clinical testing. Allele origin: germline.
Comment: The c.3246_3248delTCA variant (also known as p.H1083del) is located in coding exon 21 of the ATM gene. This variant results from an in-frame TCA deletion at nucleotide positions 3246 to 3248. This results in the in-frame deletion of a histidine at codon 1083. This amino acid position is highly conserved in available vertebrate species. Since supporting evidence is limited at this time, the clinical significance of this alteration remains unclear.